The following is an entry in ClinVar:

ClinVar aggregate classification (germline): Benign/Likely benign. Review status: criteria provided, multiple submitters, no conflicts (2 of 4 stars). 10 submissions from 10 submitters: Benign (3); Likely benign (5). 2 of the submissions do not count toward it. Last evaluated 2026-05-01.

Conditions:
Joubert syndrome. Also called: Familial aplasia of the vermis; JOUBERT-BOLTSHAUSER SYNDROME. Identifiers: Orphanet 475, MedGen C5979921, MONDO:0018772.
Joubert syndrome 3 (JBTS3). Also called: AHI1-related Ciliopathy. Identifiers: Orphanet 220493, MedGen C1837713, MONDO:0012078, OMIM 608629.

Allele frequency attached by ClinVar (database versions not stated): gnomAD exomes 0.00034 and 0.00098; 1000 Genomes Project 0.00499; gnomAD 0.00397 and 0.00429; TOPMed 0.00494; 1000 Genomes Project 30x 0.00500; ExAC 0.00110; ESP Exome Variant Server 0.00407.
gnomAD v4.1: 1,138 of 1,607,560 alleles (0.071%); highest among the groups gnomAD compares: African/African-American, 1.2%; 11 homozygotes.

Submissions (10):

CeGaT Center for Human Genetics Tuebingen
Classification: Likely benign. Last evaluated: 2026-05-01. Review status: criteria provided, single submitter. Criteria: CeGaT Center For Human Genetics Tuebingen Variant Classification Criteria Version 2. Collection method: clinical testing. Allele origin: germline. Affected: yes. Observed: 2 variant alleles.
Comment: AHI1: BP4, BS1

Labcorp Genetics (formerly Invitae), Labcorp
Classification: Benign for Joubert syndrome. Last evaluated: 2026-02-02. Review status: criteria provided, single submitter. Criteria: Invitae Variant Classification Sherloc (09022015). Collection method: clinical testing. Allele origin: germline.

Mayo Clinic Laboratories, Mayo Clinic
Classification: Likely benign. Last evaluated: 2025-03-04. Review status: criteria provided, single submitter. Criteria: ACMG Guidelines, 2015. Collection method: clinical testing. Allele origin: germline. Observed: 1 variant allele.
Comment: BS1, BP4_moderate

Blueprint Genetics
Classification: Likely benign. Last evaluated: 2024-11-13. Review status: criteria provided, single submitter. Criteria: ACMG Guidelines, 2015. Collection method: clinical testing. Allele origin: germline.

GeneDx
Classification: Benign. Last evaluated: 2018-04-23. Review status: criteria provided, single submitter. Criteria: GeneDx Variant Classification (06012015). Collection method: clinical testing. Allele origin: germline. Affected: yes.
Comment: This variant is considered likely benign or benign based on one or more of the following criteria: it is a conservative change, it occurs at a poorly conserved position in the protein, it is predicted to be benign by multiple in silico algorithms, and/or has population frequency not consistent with disease.

Illumina Laboratory Services, Illumina
Classification: Likely benign for Joubert syndrome 3. Last evaluated: 2018-01-12. Review status: criteria provided, single submitter. Criteria: ICSL Variant Classification Criteria 13 December 2019. Collection method: clinical testing. Allele origin: germline.
Comment: This variant was observed in the ICSL laboratory as part of a predisposition screen in an ostensibly healthy population. It had not been previously curated by ICSL or reported in the Human Gene Mutation Database (HGMD: prior to June 1st, 2018), and was therefore a candidate for classification through an automated scoring system. Utilizing variant allele frequency, disease prevalence and penetrance estimates, and inheritance mode, an automated score was calculated to assess if this variant is too frequent to cause the disease. Based on the score and internal cut-off values, a variant classified as likely benign is not then subjected to further curation. The score for this variant resulted in a classification of likely benign for this disease.

Eurofins Ntd Llc (ga)
Classification: Benign. Last evaluated: 2015-03-02. Review status: criteria provided, single submitter. Criteria: EGL Classification Definitions 2015. Collection method: clinical testing. Allele origin: germline. Observed: 1 variant allele, 1 heterozygote.

Breakthrough Genomics
Classification: Likely benign. Review status: criteria provided, single submitter. Criteria: ACMG Guidelines, 2015. Collection method: not provided. Allele origin: germline. Inheritance: Autosomal recessive inheritance. Affected: yes.

Genome Diagnostics Laboratory, University Medical Center Utrecht
Classification: Benign. Review status: no assertion criteria provided. Collection method: clinical testing. Allele origin: germline. Affected: yes. Study: VKGL Data-share Consensus. Not counted in ClinVar's aggregate classification.

Laboratory of Diagnostic Genome Analysis, Leiden University Medical Center (LUMC)
Classification: Likely benign. Review status: no assertion criteria provided. Collection method: clinical testing. Allele origin: germline. Affected: yes. Study: VKGL Data-share Consensus. Not counted in ClinVar's aggregate classification.

NM_001134831.2(AHI1):c.2972G>A (p.Arg991His)

Gene: AHI1 (Abelson helper integration site 1; minus strand). Cytogenetic location: 6q23.3.
Variant type: single nucleotide variant.
Coding change: c.2972G>A on transcript NM_001134831.2 (MANE Select); coding-DNA position 2972, G replaced by A.
Protein change: p.Arg991His; replaces arginine 991 with histidine.
Molecular consequence: missense variant.
Genome position (GRCh38, 1-based): chr6:135,404,967, C>T on the plus strand (G>A on the coding strand, the complement: AHI1 is on the minus strand). VCF-style: chr6-135404967-C-T. GRCh37 (hg19) VCF-style: chr6-135726105-C-T.
Other names: c.2972G>A, p.Arg991His (NM_001134830.2, NM_001134832.2, NM_001350503.2 and 2 more transcripts); short protein forms R991H.
Identifiers: ClinVar variation 95755 (VCV000095755.37), dbSNP rs35851478, ClinGen allele CA148799.